The following is an entry in ClinVar:

ClinVar aggregate classification (germline): Benign/Likely benign. Review status: criteria provided, multiple submitters, no conflicts (2 of 4 stars). 2 submissions from 2 submitters: Benign (1); Likely benign (1). Last evaluated 2026-01-06.

Conditions:
Jeune thoracic dystrophy. Also called: Jeune syndrome; Infantile thoracic dystrophy; Thoracic pelvic phalangeal dystrophy; Jeune's syndrome; Chondroectodermal dysplasia-like syndrome; Short-rib thoracic dysplasia. Identifiers: Orphanet 474, MedGen C0265275, MONDO:0018770.

Submissions (2):

Labcorp Genetics (formerly Invitae), Labcorp
Classification: Benign for Jeune thoracic dystrophy. Last evaluated: 2026-01-06. Review status: criteria provided, single submitter. Criteria: Invitae Variant Classification Sherloc (09022015). Collection method: clinical testing. Allele origin: germline.

GeneDx
Classification: Likely benign. Last evaluated: 2017-02-08. Review status: criteria provided, single submitter. Criteria: GeneDx Variant Classification (06012015). Collection method: clinical testing. Allele origin: germline. Affected: yes.
Comment: This variant is considered likely benign or benign based on one or more of the following criteria: it is a conservative change, it occurs at a poorly conserved position in the protein, it is predicted to be benign by multiple in silico algorithms, and/or has population frequency not consistent with disease.

NM_001377.3(DYNC2H1):c.10043-7dup

Gene: DYNC2H1 (dynein cytoplasmic 2 heavy chain 1; plus strand). Cytogenetic location: 11q22.3.
Variant type: Duplication.
Coding change: c.10043-7dup on transcript NM_001377.3 (MANE Select); 7 bases into the intron before coding-DNA position 10043, one base duplicated (T; older notation c.10043-7dupT).
Molecular consequence: intron variant.
Genome position (GRCh38, 1-based): chr11:103,253,278, T duplicated; the last of 8 consecutive T bases (chr11:103,253,271-103,253,278); duplicating any one gives the same sequence. VCF-style (leftmost placement, unchanged base first): chr11-103253270-G-GT. GRCh37 (hg19) VCF-style: chr11-103123999-G-GT.
Other names: c.10064-7dupT (NM_001080463.1); c.10064-7dup (NM_001080463.2).
Identifiers: ClinVar variation 507060 (VCV000507060.7), dbSNP rs571044263, ClinGen allele CA6254871.